The following is an entry in ClinVar:

ClinVar aggregate classification (germline): Uncertain significance (1 of 4 stars; one submission).

Conditions:
Inborn genetic diseases. Identifiers: MedGen C0950123, MeSH D030342.

Submission:

Ambry Genetics
Classification: Uncertain significance for Inborn genetic diseases. Last evaluated: 2021-09-17. Review status: criteria provided, single submitter. Criteria: Ambry Variant Classification Scheme 2023. Collection method: clinical testing. Allele origin: germline.
Comment: The p.L40P variant (also known as c.119T>C), located in coding exon 2 of the MDH2 gene, results from a T to C substitution at nucleotide position 119. The leucine at codon 40 is replaced by proline, an amino acid with similar properties. This amino acid position is conserved. In addition, this alteration is predicted to be deleterious by in silico analysis. Since supporting evidence is limited at this time, the clinical significance of this alteration remains unclear.

NM_005918.4(MDH2):c.119T>C (p.Leu40Pro)

Gene: MDH2 (malate dehydrogenase 2; plus strand). Cytogenetic location: 7q11.23.
Variant type: single nucleotide variant.
Coding change: c.119T>C on transcript NM_005918.4 (MANE Select); coding-DNA position 119, T replaced by C.
Protein change: p.Leu40Pro; replaces leucine 40 with proline.
Molecular consequence: missense variant. On other transcripts: intron variant (1).
Genome position (GRCh38, 1-based): chr7:76,054,882, T>C. VCF-style: chr7-76054882-T-C. GRCh37 (hg19) VCF-style: chr7-75684200-T-C.
Other names: c.119T>C, p.Leu40Pro (NM_001282403.2); c.-86-2528T>C (NM_001282404.2); short protein forms L40P.
Identifiers: ClinVar variation 1746947 (VCV001746947.2), dbSNP rs2535852684, ClinGen allele CA367762295.